The following is an entry in ClinVar:

ClinVar aggregate classification (germline): Uncertain significance (1 of 4 stars; one submission).

Conditions:
Distal myopathy with posterior leg and anterior hand involvement. Also called: WILLIAMS DISTAL MYOPATHY. Identifiers: Orphanet 63273, MedGen C3279722, MONDO:0013550, OMIM 614065.
Myofibrillar myopathy 5. Also called: Filaminopathy (type); FILAMINOPATHY, AUTOSOMAL DOMINANT. Identifiers: Orphanet 171445, MedGen C1836050, MONDO:0012289, OMIM 609524.
Hypertrophic cardiomyopathy 26. Also called: Cardiomyopathy, familial hypertrophic, 26. Identifiers: Orphanet 75249, MedGen C4310749, MONDO:0014883, OMIM 617047.

Submission:

Labcorp Genetics (formerly Invitae), Labcorp
Classification: Uncertain significance for Distal myopathy with posterior leg and anterior hand involvement; Myofibrillar myopathy 5; Hypertrophic cardiomyopathy 26. Last evaluated: 2021-08-17. Review status: criteria provided, single submitter. Criteria: Invitae Variant Classification Sherloc (09022015). Collection method: clinical testing. Allele origin: germline.
Comment: This variant is not present in population databases (ExAC no frequency). This sequence change replaces proline with threonine at codon 1030 of the FLNC protein (p.Pro1030Thr). The proline residue is moderately conserved and there is a small physicochemical difference between proline and threonine. This variant has not been reported in the literature in individuals with an FLNC-related disease. Algorithms developed to predict the effect of missense changes on protein structure and function do not agree on the potential impact of this missense change (SIFT: "Deleterious"; PolyPhen-2: "Probably Damaging"; Align-GVGD: "Class C0"). In summary, this variant has uncertain impact on FLNC function. The available evidence is currently insufficient to determine its role in disease. Therefore, it has been classified as a Variant of Uncertain Significance.

NM_001458.5(FLNC):c.3088C>A (p.Pro1030Thr)

Gene: FLNC (filamin C; plus strand). Cytogenetic location: 7q32.1.
Variant type: single nucleotide variant.
Coding change: c.3088C>A on transcript NM_001458.5 (MANE Select); coding-DNA position 3088, C replaced by A.
Protein change: p.Pro1030Thr; replaces proline 1030 with threonine.
Molecular consequence: missense variant.
Genome position (GRCh38, 1-based): chr7:128,844,162, C>A. VCF-style: chr7-128844162-C-A. GRCh37 (hg19) VCF-style: chr7-128484216-C-A.
Other names: c.3088C>A, p.Pro1030Thr (NM_001127487.2); short protein forms P1030T.
Identifiers: ClinVar variation 472032 (VCV000472032.9), dbSNP rs1554399034, ClinGen allele CA369194273.